The following is an entry in ClinVar:

ClinVar aggregate classification (germline): Uncertain significance (1 of 4 stars; one submission).

Allele frequency attached by ClinVar (database versions not stated): gnomAD exomes below 0.00001; TOPMed below 0.00001; gnomAD 0.00001.
gnomAD v4.1: 6 of 1,612,684 alleles (0.00037%); highest among the groups gnomAD compares: African/African-American, 0.0013%; no homozygotes.

Submission:

GeneDx
Classification: Uncertain significance. Last evaluated: 2023-05-12. Review status: criteria provided, single submitter. Criteria: GeneDx Variant Classification Process June 2021. Collection method: clinical testing. Allele origin: germline. Affected: yes.
Comment: Not observed at significant frequency in large population cohorts (gnomAD); In silico analysis supports that this missense variant does not alter protein structure/function; Has not been previously published as pathogenic or benign to our knowledge

NM_138694.4(PKHD1):c.8261A>G (p.Asn2754Ser)

Gene: PKHD1 (PKHD1 ciliary IPT domain containing fibrocystin/polyductin; minus strand). Cytogenetic location: 6p12.2.
Variant type: single nucleotide variant.
Coding change: c.8261A>G on transcript NM_138694.4 (MANE Select); coding-DNA position 8261, A replaced by G.
Protein change: p.Asn2754Ser; replaces asparagine 2754 with serine.
Molecular consequence: missense variant.
Genome position (GRCh38, 1-based): chr6:51,830,902, T>C on the plus strand (A>G on the coding strand, the complement: PKHD1 is on the minus strand). VCF-style: chr6-51830902-T-C. GRCh37 (hg19) VCF-style: chr6-51695700-T-C.
Other names: c.8261A>G, p.Asn2754Ser (NM_170724.3); short protein forms N2754S.
Identifiers: ClinVar variation 2663266 (VCV002663266.1), dbSNP rs1768131399, ClinGen allele CA364423334.